The following is an entry in ClinVar:

NM_012434.5(SLC17A5):c.1349A>G (p.Asp450Gly)

Gene: SLC17A5 (solute carrier family 17 member 5; minus strand). Cytogenetic location: 6q13.
Variant type: single nucleotide variant.
Coding change: c.1349A>G on transcript NM_012434.5 (MANE Select); coding-DNA position 1349, A replaced by G.
Protein change: p.Asp450Gly; replaces aspartic acid 450 with glycine.
Molecular consequence: missense variant. On other transcripts: intron variant (1).
Genome position (GRCh38, 1-based): chr6:73,600,352, T>C on the plus strand (A>G on the coding strand, the complement: SLC17A5 is on the minus strand). VCF-style: chr6-73600352-T-C. GRCh37 (hg19) VCF-style: chr6-74310075-T-C.
Other names: c.1118A>G, p.Asp373Gly (NM_001382629.1); c.1370A>G, p.Asp457Gly (NM_001382631.1); c.1262A>G, p.Asp421Gly (NM_001382632.1); c.1349A>G, p.Asp450Gly (NM_001382633.1); c.1190A>G, p.Asp397Gly (NM_001382634.1); c.1346A>G, p.Asp449Gly (NM_001382635.1); c.1031A>G, p.Asp344Gly (NM_001382636.1); c.1260-5138A>G (NM_001382630.1); short protein forms D373G, D421G, D344G, D450G, D397G, D449G, D457G.
Identifiers: ClinVar variation 1935059 (VCV001935059.5), dbSNP rs1034538510, ClinGen allele CA364719925.

ClinVar aggregate classification (germline): Uncertain significance (1 of 4 stars; one submission).

Conditions:
Salla disease (SD). Also called: Less Severe FSASD (Salla Disease); Sialuria, Finnish type; N-acetylneuraminic acid (NANA) storage disease (NSD); Infantile sialic acid storage disorder (ISSD). Identifiers: Orphanet 309334, Orphanet 834, MedGen C1096903, MONDO:0011449, OMIM 604369.

Submission:

Labcorp Genetics (formerly Invitae), Labcorp
Classification: Uncertain significance for Salla disease. Last evaluated: 2022-11-08. Review status: criteria provided, single submitter. Criteria: Invitae Variant Classification Sherloc (09022015). Collection method: clinical testing. Allele origin: germline.
Comment: In summary, the available evidence is currently insufficient to determine the role of this variant in disease. Therefore, it has been classified as a Variant of Uncertain Significance. Algorithms developed to predict the effect of missense changes on protein structure and function (SIFT, PolyPhen-2, Align-GVGD) all suggest that this variant is likely to be tolerated. This variant has not been reported in the literature in individuals affected with SLC17A5-related conditions. This variant is not present in population databases (gnomAD no frequency). This sequence change replaces aspartic acid, which is acidic and polar, with glycine, which is neutral and non-polar, at codon 450 of the SLC17A5 protein (p.Asp450Gly).